The following is an entry in ClinVar:

NM_000179.3(MSH6):c.1716G>C (p.Gln572His)

Gene: MSH6 (mutS homolog 6; plus strand). Cytogenetic location: 2p16.3.
Variant type: single nucleotide variant.
Coding change: c.1716G>C on transcript NM_000179.3 (MANE Select); coding-DNA position 1716, G replaced by C.
Protein change: p.Gln572His; replaces glutamine 572 with histidine.
Molecular consequence: missense variant.
Genome position (GRCh38, 1-based): chr2:47,799,699, G>C. VCF-style: chr2-47799699-G-C. GRCh37 (hg19) VCF-style: chr2-48026838-G-C.
Other names: c.1326G>C, p.Gln442His (NM_001281492.2); c.810G>C, p.Gln270His (NM_001281493.2, NM_001281494.2); short protein forms Q572H, Q442H, Q270H.
Identifiers: ClinVar variation 631128 (VCV000631128.5), dbSNP rs745772518, ClinGen allele CA46709475.

ClinVar aggregate classification (germline): Uncertain significance. Review status: criteria provided, multiple submitters, no conflicts (2 of 4 stars). 3 submissions from 3 submitters: Uncertain significance (3). Last evaluated 2025-10-03.

Conditions:
Hereditary cancer-predisposing syndrome. Also called: Tumor predisposition; Neoplastic Syndromes, Hereditary; Hereditary neoplastic syndrome; Hereditary Cancer Syndrome. Identifiers: Orphanet 140162, MedGen C0027672, MeSH D009386, MONDO:0015356.

Submissions (3):

Women's Health and Genetics/Laboratory Corporation of America, LabCorp
Classification: Uncertain significance. Last evaluated: 2025-10-03. Review status: criteria provided, single submitter. Criteria: LabCorp Variant Classification Summary - May 2015. Collection method: clinical testing. Allele origin: germline.

Ambry Genetics
Classification: Uncertain significance for Hereditary cancer-predisposing syndrome. Last evaluated: 2024-01-11. Review status: criteria provided, single submitter. Criteria: Ambry Variant Classification Scheme 2023. Collection method: clinical testing. Allele origin: germline.
Comment: The p.Q572H variant (also known as c.1716G>C), located in coding exon 4 of the MSH6 gene, results from a G to C substitution at nucleotide position 1716. The glutamine at codon 572 is replaced by histidine, an amino acid with highly similar properties. This amino acid position is highly conserved in available vertebrate species. In addition, this alteration is predicted to be deleterious by in silico analysis. Since supporting evidence is limited at this time, the clinical significance of this alteration remains unclear.

Color Diagnostics, LLC DBA Color Health
Classification: Uncertain significance for Hereditary cancer-predisposing syndrome. Last evaluated: 2019-01-03. Review status: criteria provided, single submitter. Criteria: ACMG Guidelines, 2015. Collection method: clinical testing. Allele origin: germline.